The following is an entry in ClinVar:

ClinVar aggregate classification (germline): Uncertain significance (1 of 4 stars; one submission).

Submission:

GeneDx
Classification: Uncertain significance. Last evaluated: 2025-08-04. Review status: criteria provided, single submitter. Criteria: GeneDx Variant Classification Process June 2021. Collection method: clinical testing. Allele origin: germline. Affected: yes.
Comment: Not observed at significant frequency in large population cohorts (gnomAD); In silico analysis supports that this missense variant has a deleterious effect on protein structure/function; Has not been previously published as pathogenic or benign to our knowledge

NM_001366521.1(ATP2B1):c.1589C>T (p.Pro530Leu)

Gene: ATP2B1 (ATPase plasma membrane Ca2+ transporting 1; minus strand). Cytogenetic location: 12q21.33.
Variant type: single nucleotide variant.
Coding change: c.1589C>T on transcript NM_001366521.1 (MANE Select); coding-DNA position 1589, C replaced by T.
Protein change: p.Pro530Leu; replaces proline 530 with leucine.
Molecular consequence: missense variant. On other transcripts: non-coding transcript variant (3).
Genome position (GRCh38, 1-based): chr12:89,620,239, G>A on the plus strand (C>T on the coding strand, the complement: ATP2B1 is on the minus strand). VCF-style: chr12-89620239-G-A. GRCh37 (hg19) VCF-style: chr12-90014016-G-A.
Other names: c.1589C>T, p.Pro530Leu (NM_001001323.2, NM_001366520.1, NM_001366522.1 and 12 more transcripts); c.1391C>T, p.Pro464Leu (NM_001366530.1, NM_001413053.1); c.1028C>T, p.Pro343Leu (NM_001366531.1, NM_001366532.1, NM_001413058.1 and 2 more transcripts); c.1550C>T, p.Pro517Leu (NM_001413048.1); c.1448C>T, p.Pro483Leu (NM_001413051.1, NM_001413052.1, NM_001413055.1); c.1346C>T, p.Pro449Leu (NM_001413054.1); c.1334C>T, p.Pro445Leu (NM_001413056.1); c.1136C>T, p.Pro379Leu (NM_001413057.1); short protein forms P343L, P379L, P445L, P449L, P464L, P483L, P517L, P530L.
Identifiers: ClinVar variation 4755801 (VCV004755801.1).